The following is an entry in ClinVar:

NM_006005.3(WFS1):c.1104_1105insT (p.Lys369Ter)

Gene: WFS1 (wolframin ER transmembrane glycoprotein; plus strand). Cytogenetic location: 4p16.1.
Variant type: Insertion.
Coding change: c.1104_1105insT on transcript NM_006005.3 (MANE Select); coding-DNA positions 1104 to 1105, T inserted.
Protein change: p.Lys369Ter; replaces lysine 369 with a stop codon.
Molecular consequence: nonsense.
Genome position: GRCh38 VCF-style: chr4-6300899-C-CT. GRCh37 (hg19) VCF-style: chr4-6302626-C-CT.
Other names: c.1104_1105insT, p.Lys369Ter (NM_001145853.1); short protein forms K369*.
Identifiers: ClinVar variation 3237400 (VCV003237400.1), dbSNP rs1275272268.

ClinVar aggregate classification (germline): Likely pathogenic (1 of 4 stars; one submission).

Conditions:
Wolfram syndrome 1 (WFS1). Identifiers: Orphanet 3463, MedGen C4551693, MONDO:0009101, OMIM 222300.

Allele frequency attached by ClinVar (database versions not stated): TOPMed below 0.00001; gnomAD 0.00001.

Submission:

Clinical Genomics Laboratory, Washington University in St. Louis
Classification: Likely pathogenic for Wolfram syndrome 1. Last evaluated: 2024-02-03. Review status: criteria provided, single submitter. Criteria: ACMG Guidelines, 2015. Collection method: clinical testing. Allele origin: germline. Affected: yes.
Comment: The WFS1 c.1104_1105insT (p.Lys369*) variant, to our knowledge, has not been reported in the medical literature. This variant is only observed on 1/152,166 alleles in the general population (gnomAD v4.0.0), indicating it is not a common variant. This variant causes a frameshift by inserting 1 nucleotide, leading to a premature termination codon; however, because this occurs in the last exon, this is not predicted to lead to nonsense mediated decay. Several other pathogenic/likely pathogenic frameshift and nonsense variants in WFS1 have been identified downstream of this variant and have been shown to lead to the loss of function of this gene‚Äôs product (Wolframin) and are associated with various combinations of diabetes mellitus, deafness, diabetes insipidus, and optic atrophy (Riachi M et al., PMID: 31600780). Additionally, there are greater than 30 pathogenic or likely pathogenic nonsense variants downstream of this variant in ClinVar. Based on available information, and based on ACMG/AMP guidelines for variant interpretation (Richards S et al., PMID: 25741868), the WFS1 c.1104_1105insT (p.Lys369*) variant is classified as likely pathogenic.